The following is an entry in ClinVar:

ClinVar aggregate classification (germline): Uncertain significance. Review status: criteria provided, multiple submitters, no conflicts (2 of 4 stars). 2 submissions from 2 submitters: Uncertain significance (2). Last evaluated 2023-08-28.

Allele frequency attached by ClinVar (database versions not stated): gnomAD 0.00001; TOPMed 0.00002.

Submissions (2):

Labcorp Genetics (formerly Invitae), Labcorp
Classification: Uncertain significance. Last evaluated: 2023-08-28. Review status: criteria provided, single submitter. Criteria: Invitae Variant Classification Sherloc (09022015). Collection method: clinical testing. Allele origin: germline.
Comment: In summary, the available evidence is currently insufficient to determine the role of this variant in disease. Therefore, it has been classified as a Variant of Uncertain Significance. Algorithms developed to predict the effect of missense changes on protein structure and function output the following: SIFT: "Not Available"; PolyPhen-2: "Benign"; Align-GVGD: "Not Available". The leucine amino acid residue is found in multiple mammalian species, which suggests that this missense change does not adversely affect protein function. ClinVar contains an entry for this variant (Variation ID: 2239908). This variant has not been reported in the literature in individuals affected with TAOK2-related conditions. This variant is not present in population databases (gnomAD no frequency). This sequence change replaces proline, which is neutral and non-polar, with leucine, which is neutral and non-polar, at codon 852 of the TAOK2 protein (p.Pro852Leu).

Ambry Genetics
Classification: Uncertain significance. Last evaluated: 2021-08-02. Review status: criteria provided, single submitter. Criteria: Ambry Variant Classification Scheme 2023. Collection method: clinical testing. Allele origin: germline.

NM_016151.4(TAOK2):c.2555C>T (p.Pro852Leu)

Gene: TAOK2 (TAO kinase 2; plus strand). Cytogenetic location: 16p11.2.
Variant type: single nucleotide variant.
Coding change: c.2555C>T on transcript NM_016151.4 (MANE Select); coding-DNA position 2555, C replaced by T.
Protein change: p.Pro852Leu; replaces proline 852 with leucine.
Molecular consequence: missense variant. On other transcripts: intron variant (2).
Genome position (GRCh38, 1-based): chr16:29,986,827, C>T. VCF-style: chr16-29986827-C-T. GRCh37 (hg19) VCF-style: chr16-29998148-C-T.
Other names: c.2232+323C>T (NM_004783.4); c.2233-17C>T (NM_001252043.2); short protein forms P852L.
Identifiers: ClinVar variation 2239908 (VCV002239908.5), dbSNP rs763911645, ClinGen allele CA280398930.